The following is an entry in ClinVar:

NM_199242.3(UNC13D):c.614+1G>T

Gene: UNC13D (unc-13 homolog D; minus strand). Cytogenetic location: 17q25.1.
Variant type: single nucleotide variant.
Coding change: c.614+1G>T on transcript NM_199242.3 (MANE Select); the canonical splice donor site of the intron after coding-DNA position 614, G replaced by T.
Molecular consequence: splice donor variant.
Genome position (GRCh38, 1-based): chr17:75,840,956, C>A on the plus strand (G>T on the coding strand, the complement: UNC13D is on the minus strand). VCF-style: chr17-75840956-C-A. GRCh37 (hg19) VCF-style: chr17-73837037-C-A.
Other names: c.614+1G>T (NM_199242.2).
Identifiers: ClinVar variation 1466813 (VCV001466813.8), dbSNP rs866629962, ClinGen allele CA294089613.
Genomic context (GRCh38, chr17:75,840,956, plus strand): 5'-CCGCCTCTCTCACCCCAGATCCCTTCCCTTCCCATCCCTAGGGGCAGGCCAGGTCACTCA[C>A]CACATGTCCAGATGAAAGCTCGCATTGGTGATGTCCTCAAACTCCCTGTATGGAGAAAAG-3'

ClinVar aggregate classification (germline): Conflicting classifications of pathogenicity. Review status: criteria provided, conflicting classifications (1 of 4 stars). 3 submissions from 3 submitters: Likely pathogenic (1); Uncertain significance (1). 1 of the submissions does not count toward it. Last evaluated 2024-10-21.

Conditions:
UNC13D-related disorder. Also called: UNC13D-related condition.
Familial hemophagocytic lymphohistiocytosis 3 (FHL3). Also called: UNC13D-Related Familial Hemophagocytic Lymphohistiocytosis (UNC13D-fHLH). Identifiers: Orphanet 540, MedGen C1837174, MONDO:0012146, OMIM 608898.

Allele frequency attached by ClinVar (database versions not stated): gnomAD exomes below 0.00001; TOPMed below 0.00001; gnomAD 0.00001.
gnomAD v4.1: 7 of 1,613,938 alleles (0.00043%); highest among the groups gnomAD compares: Non-Finnish European, 0.00059%; no homozygotes.

Submissions (3):

Blueprint Genetics
Classification: Uncertain significance. Last evaluated: 2024-10-21. Review status: criteria provided, single submitter. Criteria: ACMG Guidelines, 2015. Collection method: clinical testing. Allele origin: germline.

Labcorp Genetics (formerly Invitae), Labcorp
Classification: Likely pathogenic for Familial hemophagocytic lymphohistiocytosis 3. Last evaluated: 2024-03-11. Review status: criteria provided, single submitter. Criteria: Invitae Variant Classification Sherloc (09022015). Collection method: clinical testing. Allele origin: germline.
Comment: This sequence change affects a donor splice site in intron 7 of the UNC13D gene. It is expected to disrupt RNA splicing. Variants that disrupt the donor or acceptor splice site typically lead to a loss of protein function (PMID: 16199547), and loss-of-function variants in UNC13D are known to be pathogenic (PMID: 14622600). This variant is not present in population databases (gnomAD no frequency). This variant has not been reported in the literature in individuals affected with UNC13D-related conditions. ClinVar contains an entry for this variant (Variation ID: 1466813). Algorithms developed to predict the effect of sequence changes on RNA splicing suggest that this variant may disrupt the consensus splice site. In summary, the currently available evidence indicates that the variant is pathogenic, but additional data are needed to prove that conclusively. Therefore, this variant has been classified as Likely Pathogenic.

PreventionGenetics, part of Exact Sciences
Classification: Likely pathogenic for UNC13D-related condition. Last evaluated: 2024-07-24. Review status: no assertion criteria provided. Collection method: clinical testing. Allele origin: germline. Not counted in ClinVar's aggregate classification.
Comment: The UNC13D c.614+1G>T variant is predicted to disrupt the GT donor site and interfere with normal splicing. To our knowledge, this variant has not been reported in the literature or in a large population database, indicating this variant is rare. Variants that disrupt the consensus splice donor site in UNC13D are expected to be pathogenic. This variant is interpreted as likely pathogenic.

Literature cited by the submitters: PubMed 16199547 (cited by Labcorp Genetics (formerly Invitae), Labcorp); PubMed 14622600 (cited by Labcorp Genetics (formerly Invitae), Labcorp).